The following is an entry in ClinVar:

NM_017946.4(FKBP14):c.365A>G (p.Glu122Gly)

Genes: FKBP14 (FKBP prolyl isomerase 14; minus strand), FKBP14-AS1 (FKBP14 antisense RNA 1; plus strand). Cytogenetic location: 7p14.3.
Variant type: single nucleotide variant.
Coding change: c.365A>G on transcript NM_017946.4 (MANE Select); coding-DNA position 365, A replaced by G.
Protein change: p.Glu122Gly; replaces glutamic acid 122 with glycine.
Molecular consequence: missense variant. On other transcripts: non-coding transcript variant (2).
Genome position (GRCh38, 1-based): chr7:30,019,108, T>C on the plus strand (A>G on the coding strand, the complement: FKBP14 is on the minus strand). VCF-style: chr7-30019108-T-C. GRCh37 (hg19) VCF-style: chr7-30058724-T-C.
Other names: short protein forms E122G.
Identifiers: ClinVar variation 1733653 (VCV001733653.2), dbSNP rs1789965131, ClinGen allele CA367116936.
Genomic context (GRCh38, chr7:30,019,108, plus strand): 5'-TCATGGGATCTTGGTCCATTTCGAATCTCCAGGAGATCAATATTAAATATCAGTGTACTT[T>C]CTGGGGGAATTTTACCTGACGTGAGGAAAGAAGGCAGAAAGTTTTAAAAGAGCCAAAAGT-3'
Protein context (NP_060416.1, residues 112-132): GKEGKGKIPP[Glu122Gly]STLIFNIDLL

ClinVar aggregate classification (germline): Uncertain significance (1 of 4 stars; one submission).

Conditions:
Cardiovascular phenotype. Identifiers: MedGen CN230736.

Allele frequency attached by ClinVar (database versions not stated): TOPMed below 0.00001; gnomAD 0.00001.
gnomAD v4.1: 1 of 1,575,698 alleles (0.000063%); highest among the groups gnomAD compares: Non-Finnish European, 0.000086%; no homozygotes.

Submission:

Ambry Genetics
Classification: Uncertain significance for Cardiovascular phenotype. Last evaluated: 2021-07-22. Review status: criteria provided, single submitter. Criteria: Ambry Variant Classification Scheme 2023. Collection method: clinical testing. Allele origin: germline.
Comment: The p.E122G variant (also known as c.365A>G), located in coding exon 3 of the FKBP14 gene, results from an A to G substitution at nucleotide position 365. The glutamic acid at codon 122 is replaced by glycine, an amino acid with similar properties. This amino acid position is conserved. In addition, this alteration is predicted to be tolerated by in silico analysis. Since supporting evidence is limited at this time, the clinical significance of this alteration remains unclear.